The following is an entry in ClinVar:

NM_003072.5(SMARCA4):c.*1G>A

Gene: SMARCA4 (SWI/SNF related BAF chromatin remodeling complex subunit ATPase 4; plus strand). Cytogenetic location: 19p13.2.
Variant type: single nucleotide variant.
Coding change: c.*1G>A on transcript NM_003072.5 (MANE Select); 1 bases downstream of the stop codon, G replaced by A.
Molecular consequence: 3 prime UTR variant. On other transcripts: non-coding transcript variant (1).
Genome position (GRCh38, 1-based): chr19:11,061,817, G>A. VCF-style: chr19-11061817-G-A. GRCh37 (hg19) VCF-style: chr19-11172493-G-A.
Other names: c.*1G>A (NM_001128844.3, NM_001128845.2, NM_001128846.2 and 5 more transcripts).
Identifiers: ClinVar variation 480605 (VCV000480605.5), dbSNP rs76118382, ClinGen allele CA9204924.
Genomic context (GRCh38, chr19:11,061,817, plus strand): 5'-CACTCTCTCCTCCTGTCCCCTCTCCAGGACCGCTCAGGAAGTGGCAGCGAAGAAGACTGA[G>A]CCCCGACATTCCAGTCTCGACCCCGAGCCCCTCGTTCCAGAGCTGAGATGGCATAGGCCT-3'

ClinVar aggregate classification (germline): Uncertain significance (1 of 4 stars; one submission).

Conditions:
Hereditary cancer-predisposing syndrome. Also called: Hereditary Cancer Syndrome; Neoplastic Syndromes, Hereditary; Tumor predisposition; Hereditary neoplastic syndrome. Identifiers: Orphanet 140162, MedGen C0027672, MeSH D009386, MONDO:0015356.

gnomAD v4.1: 6 of 1,614,008 alleles (0.00037%); highest among the groups gnomAD compares: Non-Finnish European, 0.00051%; no homozygotes.

Submission:

Ambry Genetics
Classification: Uncertain significance for Hereditary cancer-predisposing syndrome. Last evaluated: 2016-02-19. Review status: criteria provided, single submitter. Criteria: Ambry Variant Classification Scheme 2023. Collection method: clinical testing. Allele origin: germline.
Comment: The c.*1G>A variant is located in the 3' untranslated region (3&rsquo; UTR) of the SMARCA4 gene. This variant results from a G to A substitution one nucleotide after the termination codon. This variant was not reported in population based cohorts in the following databases: Database of Single Nucleotide Polymorphisms (dbSNP), NHLBI Exome Sequencing Project (ESP), and 1000 Genomes Project. In the ESP, this variant was not observed in 6503 samples (13006 alleles) with coverage at this position. To date, this alteration has been detected with an allele frequency of approximately 0.003% (greater than 30000 alleles tested) in our clinical cohort. This nucleotide position is not well conserved in available vertebrate species. Since supporting evidence is limited at this time, the clinical significance of this alteration remains unclear.